The following is an entry in ClinVar:

ClinVar aggregate classification (germline): Likely benign (0 of 4 stars; one submission).

Conditions:
CAMTA1-related disorder. Also called: CAMTA1-related condition.

Allele frequency attached by ClinVar (database versions not stated): gnomAD 0.00001; ExAC 0.00002; TOPMed 0.00003; gnomAD exomes 0.00007.
gnomAD v4.1: 101 of 1,614,070 alleles (0.0063%); highest among the groups gnomAD compares: Non-Finnish European, 0.0081%; no homozygotes.

Submission:

PreventionGenetics, part of Exact Sciences
Classification: Likely benign for CAMTA1-related condition. Last evaluated: 2019-09-26. Review status: no assertion criteria provided. Collection method: clinical testing. Allele origin: germline.
Comment: This variant is classified as likely benign based on ACMG/AMP sequence variant interpretation guidelines (Richards et al. 2015 PMID: 25741868, with internal and published modifications).

NM_015215.4(CAMTA1):c.576C>T (p.Cys192=)

Gene: CAMTA1 (calmodulin binding transcription activator 1; plus strand). Cytogenetic location: 1p36.23.
Variant type: single nucleotide variant.
Coding change: c.576C>T on transcript NM_015215.4 (MANE Select); coding-DNA position 576, C replaced by T.
Protein change: p.Cys192=; no amino-acid change (cysteine 192 retained).
Molecular consequence: synonymous variant.
Genome position (GRCh38, 1-based): chr1:7,640,465, C>T. VCF-style: chr1-7640465-C-T. GRCh37 (hg19) VCF-style: chr1-7700525-C-T.
Other names: c.486C>T, p.Cys162= (NM_001349608.2, NM_001349612.2); c.576C>T, p.Cys192= (NM_001349609.2, NM_001349610.2, NM_001410737.1); c.504C>T, p.Cys168= (NM_001410738.1).
Identifiers: ClinVar variation 3040096 (VCV003040096.2), dbSNP rs757970256, ClinGen allele CA566204.